The following is an entry in ClinVar:

ClinVar aggregate classification (germline): Uncertain significance (1 of 4 stars; one submission).

Submission:

Labcorp Genetics (formerly Invitae), Labcorp
Classification: Uncertain significance. Last evaluated: 2025-01-27. Review status: criteria provided, single submitter. Criteria: Invitae Variant Classification Sherloc (09022015). Collection method: clinical testing. Allele origin: germline.
Comment: This sequence change replaces glutamic acid, which is acidic and polar, with lysine, which is basic and polar, at codon 1355 of the ANKRD26 protein (p.Glu1355Lys). This variant is not present in population databases (gnomAD no frequency). This variant has not been reported in the literature in individuals affected with ANKRD26-related conditions. An algorithm developed to predict the effect of missense changes on protein structure and function (PolyPhen-2) suggests that this variant is likely to be tolerated. In summary, the available evidence is currently insufficient to determine the role of this variant in disease. Therefore, it has been classified as a Variant of Uncertain Significance.

NM_014915.3(ANKRD26):c.4063G>A (p.Glu1355Lys)

Gene: ANKRD26 (ankyrin repeat domain 26; minus strand). Cytogenetic location: 10p12.1.
Variant type: single nucleotide variant.
Coding change: c.4063G>A on transcript NM_014915.3 (MANE Select); coding-DNA position 4063, G replaced by A.
Protein change: p.Glu1355Lys; replaces glutamic acid 1355 with lysine.
Molecular consequence: missense variant.
Genome position (GRCh38, 1-based): chr10:27,024,469, C>T on the plus strand (G>A on the coding strand, the complement: ANKRD26 is on the minus strand). VCF-style: chr10-27024469-C-T. GRCh37 (hg19) VCF-style: chr10-27313398-C-T.
Other names: c.4060G>A, p.Glu1354Lys (NM_001256053.2); short protein forms E1354K, E1355K.
Identifiers: ClinVar variation 3619036 (VCV003619036.2).
Genomic context (GRCh38, chr10:27,024,469, plus strand): 5'-ATGAATGGTTAAAATGATCTGAAATATTAAAATCTTACCCAGTTATCTCTCTTTCTAATT[C>T]AACATTTTTCTTCATTTCTTGATCCAAATTACATTCCAGTGACTGTTTTAATTCCATAAG-3'
Protein context (NP_055730.2, residues 1345-1365): NLDQEMKKNV[Glu1355Lys]LEREITGFKN